The following is an entry in ClinVar:

ClinVar aggregate classification (germline): Likely pathogenic (1 of 4 stars; one submission).

Conditions:
Atypical hemolytic-uremic syndrome. Identifiers: Orphanet 2134, MedGen C2931788, MONDO:0016244.
Factor H deficiency (CFHD). Also called: COMPLEMENT FACTOR H DEFICIENCY; CFH DEFICIENCY. Identifiers: Orphanet 200421, MedGen C0398777, MONDO:0012350, OMIM 609814.

Submission:

Genomenon, Inc
Classification: Likely pathogenic for Atypical hemolytic-uremic syndrome; Factor H deficiency. Last evaluated: 2025-10-02. Review status: criteria provided, single submitter. Criteria: Genomenon Sequence Variant Interpretation Standards - Updated. Collection method: curation. Allele origin: germline. Affected: yes.
Comment: CFH p.Ter1232Ileext*37 (c.3694_*1del) is a stop-lost variant that results in a C-terminal protein extension. This variant has been observed in at least one proband affected with a CFH-related disorder (PMID:19568827;39422762;24088957;31440263;29500241;17599974). It is absent or not present at a significant frequency in gnomAD. In conclusion, we classify CFH p.Ter1232Ileext*37 (c.3694_*1del) as a likely pathogenic variant.

Literature cited by the submitters: PubMed 19568827; PubMed 39422762; PubMed 24088957; PubMed 31440263; PubMed 29500241; PubMed 17599974.

NM_000186.4(CFH):c.3694_*1del (p.Ter1232IleextTer?)

Gene: CFH (complement factor H; plus strand). Cytogenetic location: 1q31.3.
Variant type: Deletion.
Coding change: c.3694_*1del on transcript NM_000186.4 (MANE Select); coding-DNA position 3694 through 1 bases downstream of the stop codon, 4 bases deleted (TAGA; older notation c.3694_*1delTAGA).
Protein change: p.Ter1232IleextTer?.
Molecular consequence: frameshift variant, stop lost.
Genome position (GRCh38, 1-based): chr1:196,747,311-196,747,314, TAGA deleted; deleting any 4 consecutive bases within chr1:196,747,308-196,747,314 gives the same sequence; the c. name uses the placement nearest the transcript's 3' end. VCF-style (leftmost placement, unchanged base first): chr1-196747307-AAGAT-A. GRCh37 (hg19) VCF-style: chr1-196716437-AAGAT-A.
Identifiers: ClinVar variation 4291648 (VCV004291648.1).
Genomic context (GRCh38, chr1:196,747,307, plus strand): 5'-TTCTCACACATTGCGAACAACATGTTGGGATGGGAAACTGGAGTATCCAACTTGTGCAAA[AAGAT>A]AGAATCAATCATAAAGTGCACACCTTTATTCAGAACTTTAGTATTAAATCAGTTCTCAAT-3'